The following is an entry in ClinVar:

NM_001034853.2(RPGR):c.3116_3117insGGAAGTGGAAAGGGAGGTGGAAGGGGAGGAAGGAGAGGGGGAAGGAGAGGAAGAGGAAGG (p.Glu1040_Glu1041insValGluArgGluValGluGlyGluGluGlyGluGlyGluGlyGluGluGluGluGlyGlu)

Gene: RPGR (retinitis pigmentosa GTPase regulator; minus strand). Cytogenetic location: Xp11.4.
Variant type: Insertion.
Coding change: c.3116_3117insGGAAGTGGAAAGGGAGGTGGAAGGGGAGGAAGGAGAGGGGGAAGGAGAGGAAGAGGAAGG on transcript NM_001034853.2 (MANE Select); coding-DNA positions 3116 to 3117, GGAAGTGGAAAGGGAGGTGGAAGGGGAGGAAGGAGAGGGGGAAGGAGAGGAAGAGGAAGG inserted.
Protein change: p.Glu1040_Glu1041insValGluArgGluValGluGlyGluGluGlyGluGlyGluGlyGluGluGluGluGlyGlu.
Molecular consequence: inframe insertion. On other transcripts: intron variant (8).
Genome position: GRCh38: chrX:38,285,931-38,285,932. GRCh37 (hg19): chrX:38,145,184-38,145,185.
Other names: c.1569+5076_1569+5077insGGGAGGTGGAAGGGGAGGAAGGAGAGGGGGAAGGAGAGGAAGAGGAAGGGGAAGTGGAAA (NM_001367249.1, NM_001367250.1); c.1902+1211_1902+1212insGGGAGGTGGAAGGGGAGGAAGGAGAGGGGGAAGGAGAGGAAGAGGAAGGGGAAGTGGAAA (NM_001367245.1); c.1386+5076_1386+5077insGGGAGGTGGAAGGGGAGGAAGGAGAGGGGGAAGGAGAGGAAGAGGAAGGGGAAGTGGAAA (NM_001367251.1); c.1719+1211_1719+1212insGGGAGGTGGAAGGGGAGGAAGGAGAGGGGGAAGGAGAGGAAGAGGAAGGGGAAGTGGAAA (NM_001367246.1); c.1572+5076_1572+5077insGGGAGGTGGAAGGGGAGGAAGGAGAGGGGGAAGGAGAGGAAGAGGAAGGGGAAGTGGAAA (NM_001367247.1); c.1905+1211_1905+1212insGGGAGGTGGAAGGGGAGGAAGGAGAGGGGGAAGGAGAGGAAGAGGAAGGGGAAGTGGAAA (NM_000328.3); c.1602+5076_1602+5077insGGGAGGTGGAAGGGGAGGAAGGAGAGGGGGAAGGAGAGGAAGAGGAAGGGGAAGTGGAAA (NM_001367248.1).
Identifiers: ClinVar variation 4731624 (VCV004731624.1).

ClinVar aggregate classification (germline): Uncertain significance (1 of 4 stars; one submission).

Conditions:
Primary ciliary dyskinesia. Also called: Ciliary dyskinesia. Identifiers: Orphanet 244, MedGen C0008780, MONDO:0016575, HP:0012265.

Submission:

Labcorp Genetics (formerly Invitae), Labcorp
Classification: Uncertain significance for Primary ciliary dyskinesia. Last evaluated: 2025-11-20. Review status: criteria provided, single submitter. Criteria: Invitae Variant Classification Sherloc (09022015). Collection method: clinical testing. Allele origin: germline.
Comment: This variant, c.3116_3117ins60, results in the insertion of 20 amino acid(s) of the RPGR (ORF15) protein (p.Glu1040_Glu1041ins20), but otherwise preserves the integrity of the reading frame. This variant is not present in population databases (gnomAD no frequency). This variant has not been reported in the literature in individuals affected with RPGR (ORF15)-related conditions. In summary, the available evidence is currently insufficient to determine the role of this variant in disease. Therefore, it has been classified as a Variant of Uncertain Significance.